The following is an entry in ClinVar:

ClinVar aggregate classification (germline): Uncertain significance (1 of 4 stars; one submission).

Submission:

Labcorp Genetics (formerly Invitae), Labcorp
Classification: Uncertain significance. Last evaluated: 2021-12-30. Review status: criteria provided, single submitter. Criteria: Invitae Variant Classification Sherloc (09022015). Collection method: clinical testing. Allele origin: germline.
Comment: In summary, the available evidence is currently insufficient to determine the role of this variant in disease. Therefore, it has been classified as a Variant of Uncertain Significance. Algorithms developed to predict the effect of missense changes on protein structure and function are either unavailable or do not agree on the potential impact of this missense change (SIFT: "Not Available"; PolyPhen-2: "Benign"; Align-GVGD: "Not Available"). This variant has not been reported in the literature in individuals affected with CAD-related conditions. Information on the frequency of this variant in the gnomAD database is not available, as this variant may be reported differently in the database. This sequence change replaces leucine, which is neutral and non-polar, with proline, which is neutral and non-polar, at codon 647 of the CAD protein (p.Leu647Pro).

NM_004341.5(CAD):c.1940_1941delinsCT (p.Leu647Pro)

Gene: CAD (carbamoyl-phosphate synthetase 2, aspartate transcarbamylase, and dihydroorotase; plus strand). Cytogenetic location: 2p23.3.
Variant type: Indel.
Coding change: c.1940_1941delinsCT on transcript NM_004341.5 (MANE Select); coding-DNA positions 1940 to 1941, TC replaced by CT.
Protein change: p.Leu647Pro; replaces leucine 647 with proline.
Molecular consequence: missense variant. On other transcripts: intron variant (1).
Genome position (GRCh38, 1-based): chr2:27,226,228-27,226,229, TC replaced by CT. VCF-style: chr2-27226228-TC-CT. GRCh37 (hg19) VCF-style: chr2-27449096-TC-CT.
Other names: c.1843-297_1843-296delinsCT (NM_001306079.2); short protein forms L647P.
Identifiers: ClinVar variation 2067225 (VCV002067225.4), dbSNP rs2465304742, ClinGen allele CA2580066244.
Genomic context (GRCh38, chr2:27,226,228, plus strand): 5'-ACACTGGTGAGTCCATAGTGGTGGCCCCTAGCCAGACACTGAATGACAGGGAGTATCAGC[TC>CT]CTGAGGCAGACAGCTATCAAGGTGACCCAGCACCTGGGAATTGTTGGGGAGTGCAATGTG-3'
Protein context (NP_004332.2, residues 637-657): SQTLNDREYQ[Leu647Pro]LRQTAIKVTQ